The following is an entry in ClinVar:

NM_020631.6(PLEKHG5):c.912_918dup (p.Glu307Ter)

Gene: PLEKHG5 (pleckstrin homology and RhoGEF domain containing G5; minus strand). Cytogenetic location: 1p36.31.
Variant type: Duplication.
Coding change: c.912_918dup on transcript NM_020631.6 (MANE Select); coding-DNA positions 912 to 918, 7 bases duplicated (TGAAGAC; older notation c.912_918dupTGAAGAC).
Protein change: p.Glu307Ter; replaces glutamic acid 307 with a stop codon.
Molecular consequence: nonsense. On other transcripts: frameshift variant (4).
Genome position (GRCh38, 1-based): chr1:6,473,052-6,473,058, GTCTTCA duplicated on the plus strand (TGAAGAC on the coding strand, the reverse complement: PLEKHG5 is on the minus strand). VCF-style (leftmost placement, unchanged base first): chr1-6473051-C-CGTCTTCA. GRCh37 (hg19) VCF-style: chr1-6533111-C-CGTCTTCA.
Other names: c.1023_1029dup, p.Glu344Ter (NM_001042663.3, NM_001265592.2); c.912_918dup, p.Glu307Terfs (NM_001042664.2, NM_001042665.2, NM_001265594.3); c.1119_1125dup, p.Glu376Terfs (NM_001265593.2); c.912_918dup, p.Glu307Ter (NM_198681.4); short protein forms E376*, E307*, E344*.
Identifiers: ClinVar variation 60778 (VCV000060778.3), dbSNP rs397515455, ClinGen allele CA144675.
Genomic context (GRCh38, chr1:6,473,051, plus strand): 5'-GCCCATCAATGAGCTCCCGCCAGCTGTCCTCCAGCCTCAGGCAGGCATTGTCCTCATCCT[C>CGTCTTCA]GTCTTCATCGTACTCCTCCTCCCAGGAGTCATGGTCGAAGCGCAGCCCCCGGGGCAGCCT-3'

ClinVar aggregate classification (germline): Pathogenic. Review status: criteria provided, single submitter (1 of 4 stars). 2 submissions from 2 submitters: Pathogenic (1). 1 of the submissions does not count toward it. Last evaluated 2024-06-06.

Conditions:
Neuronopathy, distal hereditary motor, autosomal recessive 4. Also called: Autosomal recessive lower motor neuron disease with childhood onset; NEUROPATHY, DISTAL HEREDITARY MOTOR, AUTOSOMAL RECESSIVE 4. Identifiers: Orphanet 206580, MedGen C1970211, MONDO:0012608, OMIM 611067.
Charcot-Marie-Tooth disease recessive intermediate C. Also called: CHARCOT-MARIE-TOOTH NEUROPATHY, RECESSIVE INTERMEDIATE C. Identifiers: Orphanet 369867, MedGen C3809309, MONDO:0014154, OMIM 615376.

Submissions (2):

Labcorp Genetics (formerly Invitae), Labcorp
Classification: Pathogenic for Neuronopathy, distal hereditary motor, autosomal recessive 4; Charcot-Marie-Tooth disease recessive intermediate C. Last evaluated: 2024-06-06. Review status: criteria provided, single submitter. Criteria: Invitae Variant Classification Sherloc (09022015). Collection method: clinical testing. Allele origin: germline.
Comment: This sequence change creates a premature translational stop signal (p.Glu307*) in the PLEKHG5 gene. It is expected to result in an absent or disrupted protein product. Loss-of-function variants in PLEKHG5 are known to be pathogenic (PMID: 17564964, 23777631). This variant is not present in population databases (gnomAD no frequency). This premature translational stop signal has been observed in individual(s) with Charcot–Marie–Tooth disease (PMID: 23777631). This variant is also known as c.1143_1149dup (p.Glu384*). ClinVar contains an entry for this variant (Variation ID: 60778). For these reasons, this variant has been classified as Pathogenic.

OMIM
Classification: Pathogenic for CHARCOT-MARIE-TOOTH DISEASE, RECESSIVE INTERMEDIATE C. Last evaluated: 2013-10-15. Review status: no assertion criteria provided. Collection method: literature only. Allele origin: germline. Not counted in ClinVar's aggregate classification.

Literature cited by the submitters: PubMed 17564964 (cited by Labcorp Genetics (formerly Invitae), Labcorp); PubMed 23777631 (cited by Labcorp Genetics (formerly Invitae), Labcorp and OMIM).